The following is an entry in ClinVar:

ClinVar aggregate classification (germline): Uncertain significance (1 of 4 stars; one submission).

Submission:

Labcorp Genetics (formerly Invitae), Labcorp
Classification: Uncertain significance. Last evaluated: 2021-07-31. Review status: criteria provided, single submitter. Criteria: Invitae Variant Classification Sherloc (09022015). Collection method: clinical testing. Allele origin: germline.
Comment: This sequence change falls in intron 13 of the GEN1 gene. It does not directly change the encoded amino acid sequence of the GEN1 protein. It affects a nucleotide within the consensus splice site of the intron. Nucleotide substitutions within the consensus splice site are a relatively common cause of aberrant splicing (PMID: 17576681, 9536098). Algorithms developed to predict the effect of sequence changes on RNA splicing suggest that this variant may disrupt the consensus splice site. This variant has not been reported in the literature in individuals affected with GEN1-related conditions. This variant is not present in population databases (ExAC no frequency). In summary, the available evidence is currently insufficient to determine the role of this variant in disease. Therefore, it has been classified as a Variant of Uncertain Significance.

Literature cited by the submitters: PubMed 17576681; PubMed 9536098.

NM_001130009.3(GEN1):c.1409-1G>A

Gene: GEN1 (GEN1 structure-specific endonuclease; plus strand). Cytogenetic location: 2p24.2.
Variant type: single nucleotide variant.
Coding change: c.1409-1G>A on transcript NM_001130009.3 (MANE Select); the canonical splice acceptor site of the intron before coding-DNA position 1409, G replaced by A.
Molecular consequence: splice acceptor variant.
Genome position (GRCh38, 1-based): chr2:17,780,620, G>A. VCF-style: chr2-17780620-G-A. GRCh37 (hg19) VCF-style: chr2-17961887-G-A.
Other names: c.1409-1G>A (NM_182625.5).
Identifiers: ClinVar variation 1369339 (VCV001369339.6), dbSNP rs1383525613, ClinGen allele CA345925669.